The following is an entry in ClinVar:

ClinVar aggregate classification (germline): Uncertain significance. Review status: criteria provided, multiple submitters, no conflicts (2 of 4 stars). 2 submissions from 2 submitters: Uncertain significance (2). Last evaluated 2025-09-23.

Conditions:
Myofibrillar myopathy 4. Also called: Zaspopathy (type). Identifiers: Orphanet 98912, MedGen C4721886, MONDO:0012277, OMIM 609452.
Cardiovascular phenotype. Identifiers: MedGen CN230736.

gnomAD v4.1: 1 of 1,614,108 alleles (0.000062%); highest among the groups gnomAD compares: African/African-American, 0.0013%; no homozygotes.

Submissions (2):

Labcorp Genetics (formerly Invitae), Labcorp
Classification: Uncertain significance for Myofibrillar myopathy 4. Last evaluated: 2025-09-23. Review status: criteria provided, single submitter. Criteria: Invitae Variant Classification Sherloc (09022015). Collection method: clinical testing. Allele origin: germline.
Comment: This sequence change replaces aspartic acid, which is acidic and polar, with tyrosine, which is neutral and polar, at codon 211 of the LDB3 protein (p.Asp211Tyr). This variant is not present in population databases (gnomAD no frequency). This variant has not been reported in the literature in individuals affected with LDB3-related conditions. ClinVar contains an entry for this variant (Variation ID: 4046680). An algorithm developed to predict the effect of missense changes on protein structure and function (PolyPhen-2) suggests that this variant is likely to be tolerated. In summary, the available evidence is currently insufficient to determine the role of this variant in disease. Therefore, it has been classified as a Variant of Uncertain Significance.

Ambry Genetics
Classification: Uncertain significance for Cardiovascular phenotype. Last evaluated: 2025-05-05. Review status: criteria provided, single submitter. Criteria: Ambry Variant Classification Scheme 2023. Collection method: clinical testing. Allele origin: germline.
Comment: The p.D258Y variant (also known as c.772G>T), located in coding exon 5 of the LDB3 gene, results from a G to T substitution at nucleotide position 772. The aspartic acid at codon 258 is replaced by tyrosine, an amino acid with highly dissimilar properties. This amino acid position is conserved. In addition, this alteration is predicted to be tolerated by in silico analysis. Based on the available evidence, the clinical significance of this variant remains unclear.

NM_007078.3(LDB3):c.772G>T (p.Asp258Tyr)

Gene: LDB3 (LIM domain binding 3; plus strand). Cytogenetic location: 10q23.2.
Variant type: single nucleotide variant.
Coding change: c.772G>T on transcript NM_007078.3 (MANE Select); coding-DNA position 772, G replaced by T.
Protein change: p.Asp258Tyr; replaces aspartic acid 258 with tyrosine.
Molecular consequence: missense variant.
Genome position (GRCh38, 1-based): chr10:86,691,978, G>T. VCF-style: chr10-86691978-G-T. GRCh37 (hg19) VCF-style: chr10-88451735-G-T.
Other names: c.631G>T, p.Asp211Tyr (NM_001080114.2, NM_001080116.1, NM_001368066.1 and 2 more transcripts); c.772G>T, p.Asp258Tyr (NM_001080115.2, NM_001368063.1, NM_001368064.1 and 1 more transcripts); c.976G>T, p.Asp326Tyr (NM_001171610.2, NM_001171611.2); short protein forms D258Y, D326Y, D211Y.
Identifiers: ClinVar variation 4046680 (VCV004046680.2).